The following is an entry in ClinVar:

NM_001384474.1(LOXHD1):c.4957G>A (p.Gly1653Arg)

Gene: LOXHD1 (lipoxygenase homology PLAT domains 1; minus strand). Cytogenetic location: 18q21.1.
Variant type: single nucleotide variant.
Coding change: c.4957G>A on transcript NM_001384474.1 (MANE Select); coding-DNA position 4957, G replaced by A.
Protein change: p.Gly1653Arg; replaces glycine 1653 with arginine.
Molecular consequence: missense variant.
Genome position (GRCh38, 1-based): chr18:46,522,229, C>T on the plus strand (G>A on the coding strand, the complement: LOXHD1 is on the minus strand). VCF-style: chr18-46522229-C-T. GRCh37 (hg19) VCF-style: chr18-44102192-C-T.
Other names: c.1624G>A, p.Gly542Arg (NM_001145472.3); c.1336G>A, p.Gly446Arg (NM_001308013.2); c.4957G>A, p.Gly1653Arg (NM_144612.7); short protein forms G1653R, G542R, G446R.
Identifiers: ClinVar variation 179342 (VCV000179342.8), dbSNP rs374897301, ClinGen allele CA184232.

ClinVar aggregate classification (germline): Uncertain significance. Review status: criteria provided, multiple submitters, no conflicts (2 of 4 stars). 4 submissions from 4 submitters: Uncertain significance (3). 1 of the submissions does not count toward it. Last evaluated 2024-10-02.

Conditions:
Autosomal recessive nonsyndromic hearing loss 77. Identifiers: Orphanet 90636, MedGen C2746083, MONDO:0013119, OMIM 613079.

Allele frequency attached by ClinVar (database versions not stated): TOPMed 0.00003.
gnomAD v4.1: 33 of 1,551,894 alleles (0.0021%); highest among the groups gnomAD compares: Non-Finnish European, 0.0027%; no homozygotes.

Submissions (4):

Blueprint Genetics
Classification: Uncertain significance. Last evaluated: 2024-10-02. Review status: criteria provided, single submitter. Criteria: ACMG Guidelines, 2015. Collection method: clinical testing. Allele origin: germline.

Labcorp Genetics (formerly Invitae), Labcorp
Classification: Uncertain significance. Last evaluated: 2024-01-04. Review status: criteria provided, single submitter. Criteria: Invitae Variant Classification Sherloc (09022015). Collection method: clinical testing. Allele origin: germline.
Comment: This sequence change replaces glycine, which is neutral and non-polar, with arginine, which is basic and polar, at codon 1653 of the LOXHD1 protein (p.Gly1653Arg). This variant is present in population databases (rs374897301, gnomAD 0.008%). This missense change has been observed in individual(s) with autosomal recessive nonsyndromic deafness (Invitae). ClinVar contains an entry for this variant (Variation ID: 179342). An algorithm developed to predict the effect of missense changes on protein structure and function (PolyPhen-2) suggests that this variant is likely to be disruptive. Algorithms developed to predict the effect of sequence changes on RNA splicing suggest that this variant may disrupt the consensus splice site. In summary, the available evidence is currently insufficient to determine the role of this variant in disease. Therefore, it has been classified as a Variant of Uncertain Significance.

Laboratory for Molecular Medicine, Mass General Brigham Personalized Medicine
Classification: Uncertain significance. Last evaluated: 2016-01-12. Review status: criteria provided, single submitter. Criteria: LMM Criteria. Collection method: clinical testing. Allele origin: germline. Observed: 2 variant alleles.
Comment: It has not been reported in lar ge population studies. Computational prediction tools suggest that it may create a cryptic splice site, though this information is not predictive enough to dete rmine pathogenicity. In summary, the clinical significance of the p.Gly1653Arg v ariant is uncertain.

Natera, Inc.
Classification: Uncertain significance for Autosomal recessive deafness type 77. Last evaluated: 2019-10-28. Review status: no assertion criteria provided. Collection method: clinical testing. Allele origin: germline. Not counted in ClinVar's aggregate classification.